The following is an entry in ClinVar:

NM_021100.5(NFS1):c.655+263T>C

Gene: NFS1 (NFS1 cysteine desulfurase; minus strand). Cytogenetic location: 20q11.22.
Variant type: single nucleotide variant.
Coding change: c.655+263T>C on transcript NM_021100.5 (MANE Select); 263 bases into the intron after coding-DNA position 655, T replaced by C.
Molecular consequence: intron variant.
Genome position (GRCh38, 1-based): chr20:35,681,625, A>G on the plus strand (T>C on the coding strand, the complement: NFS1 is on the minus strand). VCF-style: chr20-35681625-A-G. GRCh37 (hg19) VCF-style: chr20-34269547-A-G.
Other names: c.502+263T>C (NM_001198989.2).
Identifiers: ClinVar variation 671457 (VCV000671457.1), dbSNP rs6060555, ClinGen allele CA14828682.

ClinVar aggregate classification (germline): Benign (1 of 4 stars; one submission).

Allele frequency attached by ClinVar (database versions not stated): TOPMed 0.06448; gnomAD 0.06477 and 0.06779; 1000 Genomes Project 30x 0.08807; 1000 Genomes Project 0.08906.
gnomAD v4.1: 10,278 of 152,100 alleles (6.8%); highest among the groups gnomAD compares: South Asian, 18%; 427 homozygotes.

Submission:

GeneDx
Classification: Benign. Last evaluated: 2018-06-16. Review status: criteria provided, single submitter. Criteria: GeneDx Variant Classification (06012015). Collection method: clinical testing. Allele origin: germline. Affected: yes.
Comment: This variant is considered likely benign or benign based on one or more of the following criteria: it is a conservative change, it occurs at a poorly conserved position in the protein, it is predicted to be benign by multiple in silico algorithms, and/or has population frequency not consistent with disease.